The following is an entry in ClinVar:

NM_001206998.2(ZNRF3):c.311T>C (p.Leu104Pro)

Gene: ZNRF3 (zinc and ring finger 3; plus strand). Cytogenetic location: 22q12.1.
Variant type: single nucleotide variant.
Coding change: c.311T>C on transcript NM_001206998.2 (MANE Select); coding-DNA position 311, T replaced by C.
Protein change: p.Leu104Pro; replaces leucine 104 with proline.
Molecular consequence: missense variant.
Genome position (GRCh38, 1-based): chr22:28,987,086, T>C. VCF-style: chr22-28987086-T-C. GRCh37 (hg19) VCF-style: chr22-29383074-T-C.
Other names: c.11T>C, p.Leu4Pro (NM_032173.4); short protein forms L104P, L4P.
Identifiers: ClinVar variation 3238957 (VCV003238957.1), dbSNP rs2517532919.

ClinVar aggregate classification (germline): Pathogenic (1 of 4 stars; one submission).

Conditions:
ZNRF3-related disorder.

Submission:

Institute of Medical Genetics, University of Zurich
Classification: Pathogenic for ZNRF3-related disorder. Last evaluated: 2024-05-29. Review status: criteria provided, single submitter. Criteria: ACMG Guidelines, 2015. Collection method: research. Allele origin: germline. Affected: yes.
Comment: ACMG criteria applied: PS3 (Well-established in vitro or in vivo functional studies supportive of a damaging effect on the gene or gene product), PM1 (Located in a mutational hot spot and/or critical and well-established functional domain), PM6 (assumed de novo), PM2 (absent from controls), PP3 (in silico programs predict a deleterious effect)